The following is an entry in ClinVar:

NM_000038.6(APC):c.3117A>G (p.Gly1039=)

Gene: APC (APC regulator of Wnt signaling pathway; plus strand). Cytogenetic location: 5q22.2.
Variant type: single nucleotide variant.
Coding change: c.3117A>G on transcript NM_000038.6 (MANE Select); coding-DNA position 3117, A replaced by G.
Protein change: p.Gly1039=; no amino-acid change (glycine 1039 retained).
Molecular consequence: synonymous variant.
Genome position (GRCh38, 1-based): chr5:112,838,711, A>G. VCF-style: chr5-112838711-A-G. GRCh37 (hg19) VCF-style: chr5-112174408-A-G.
Other names: c.3117A>G (NM_000038.5); c.3117A>G, p.Gly1039= (NM_001127510.3, NM_001354895.2); c.3063A>G, p.Gly1021= (NM_001127511.3); c.3171A>G, p.Gly1057= (NM_001354896.2); c.3147A>G, p.Gly1049= (NM_001354897.2); c.3042A>G, p.Gly1014= (NM_001354898.2); c.3033A>G, p.Gly1011= (NM_001354899.2); c.2994A>G, p.Gly998= (NM_001354900.2); and 6 more.
Identifiers: ClinVar variation 1111649 (VCV001111649.12), dbSNP rs1580631098, ClinGen allele CA445963186.
Genomic context (GRCh38, chr5:112,838,711, plus strand): 5'-AGAACTAGATACACCAATAAATTATAGTCTTAAATATTCAGATGAGCAGTTGAACTCTGG[A>G]AGGCAAAGTCCTTCACAGAATGAAAGATGGGCAAGACCCAAACACATAATAGAAGATGAA-3'
Protein context (NP_000029.2, residues 1029-1049): LKYSDEQLNS[Gly1039=]RQSPSQNERW

ClinVar aggregate classification (germline): Benign/Likely benign. Review status: criteria provided, multiple submitters, no conflicts (2 of 4 stars). 3 submissions from 3 submitters: Benign (1); Likely benign (2). Last evaluated 2025-09-14.

Conditions:
Hereditary cancer-predisposing syndrome. Also called: Tumor predisposition; Hereditary Cancer Syndrome; Neoplastic Syndromes, Hereditary; Hereditary neoplastic syndrome. Identifiers: Orphanet 140162, MedGen C0027672, MeSH D009386, MONDO:0015356.
Familial adenomatous polyposis 1 (FAP1). Also called: POLYPOSIS, ADENOMATOUS INTESTINAL; FAMILIAL ADENOMATOUS POLYPOSIS 1, ATTENUATED. Identifiers: MedGen C2713442, MONDO:0021056, OMIM 175100. Disease mechanism: loss of function.

Allele frequency attached by ClinVar (database versions not stated): gnomAD exomes below 0.00001.
gnomAD v4.1: 1 of 1,614,194 alleles (0.000062%); highest among the groups gnomAD compares: Non-Finnish European, 0.000085%; no homozygotes.

Submissions (3):

Labcorp Genetics (formerly Invitae), Labcorp
Classification: Likely benign for Familial adenomatous polyposis 1. Last evaluated: 2025-09-14. Review status: criteria provided, single submitter. Criteria: Invitae Variant Classification Sherloc (09022015). Collection method: clinical testing. Allele origin: germline.

Ambry Genetics
Classification: Likely benign for Hereditary cancer-predisposing syndrome. Last evaluated: 2025-06-23. Review status: criteria provided, single submitter. Criteria: Ambry Variant Classification Scheme 2023. Collection method: clinical testing. Allele origin: germline.

Myriad Genetics, Inc.
Classification: Benign for Familial adenomatous polyposis 1. Last evaluated: 2024-03-18. Review status: criteria provided, single submitter. Criteria: Myriad Autosomal Dominant, Autosomal Recessive and X-Linked Classification Criteria (2023). Collection method: clinical testing. Allele origin: unknown.
Comment: This variant is considered benign. This variant is a silent/synonymous amino acid change and it is not expected to impact splicing.